The following is an entry in ClinVar:

ClinVar aggregate classification (germline): Conflicting classifications of pathogenicity. Review status: criteria provided, conflicting classifications (1 of 4 stars). 5 submissions from 5 submitters: Uncertain significance (1); Likely benign (3). 1 of the submissions does not count toward it. Last evaluated 2026-01-25.

Conditions:
Cutis laxa with osteodystrophy (ARCL2A). Also called: CUTIS LAXA WITH CONGENITAL DISORDER OF GLYCOSYLATION; CUTIS LAXA, AUTOSOMAL RECESSIVE, TYPE IIA; CUTIS LAXA WITH BONE DYSTROPHY; CUTIS LAXA WITH GROWTH AND DEVELOPMENTAL DELAY; CUTIS LAXA WITH JOINT LAXITY AND RETARDED DEVELOPMENT; Autosomal recessive cutis laxa type 2A. Identifiers: Orphanet 357058, MedGen C0268355, MONDO:0018163, OMIM 219200. Disease mechanism: loss of function.
ATP6V0A2-related disorder. Also called: ATP6V0A2-related condition.
ALG9 congenital disorder of glycosylation (CDG1L). Also called: CDG Il; CONGENITAL DISORDER OF GLYCOSYLATION, TYPE Il; ALG9-CDG. Identifiers: Orphanet 79328, MedGen C2931006, MONDO:0012117, OMIM 608776.

Allele frequency attached by ClinVar (database versions not stated): 1000 Genomes Project 30x 0.00016; TOPMed 0.00068; ESP Exome Variant Server 0.00123.
gnomAD v4.1: 399 of 1,611,782 alleles (0.025%); highest among the groups gnomAD compares: African/African-American, 0.16%; 1 homozygote.

Submissions (5):

Labcorp Genetics (formerly Invitae), Labcorp
Classification: Likely benign for ALG9 congenital disorder of glycosylation. Last evaluated: 2026-01-25. Review status: criteria provided, single submitter. Criteria: Invitae Variant Classification Sherloc (09022015). Collection method: clinical testing. Allele origin: germline.

CeGaT Center for Human Genetics Tuebingen
Classification: Likely benign. Last evaluated: 2025-07-01. Review status: criteria provided, single submitter. Criteria: CeGaT Center For Human Genetics Tuebingen Variant Classification Criteria Version 2. Collection method: clinical testing. Allele origin: germline. Affected: yes. Observed: 1 variant allele.
Comment: ATP6V0A2: BP4, BP7

GeneDx
Classification: Likely benign. Last evaluated: 2021-01-13. Review status: criteria provided, single submitter. Criteria: GeneDx Variant Classification Process June 2021. Collection method: clinical testing. Allele origin: germline. Affected: yes.

Illumina Laboratory Services, Illumina
Classification: Uncertain significance for Cutis laxa with osteodystrophy. Last evaluated: 2018-01-13. Review status: criteria provided, single submitter. Criteria: ICSL Variant Classification Criteria 13 December 2019. Collection method: clinical testing. Allele origin: germline.

PreventionGenetics, part of Exact Sciences
Classification: Likely benign for ATP6V0A2-related condition. Last evaluated: 2019-08-15. Review status: no assertion criteria provided. Collection method: clinical testing. Allele origin: germline. Not counted in ClinVar's aggregate classification.
Comment: This variant is classified as likely benign based on ACMG/AMP sequence variant interpretation guidelines (Richards et al. 2015 PMID: 25741868, with internal and published modifications).

NM_012463.4(ATP6V0A2):c.264G>A (p.Ala88=)

Gene: ATP6V0A2 (ATPase H+ transporting V0 subunit a2; plus strand). Cytogenetic location: 12q24.31.
Variant type: single nucleotide variant.
Coding change: c.264G>A on transcript NM_012463.4 (MANE Select); coding-DNA position 264, G replaced by A.
Protein change: p.Ala88=; no amino-acid change (alanine 88 retained).
Molecular consequence: synonymous variant.
Genome position (GRCh38, 1-based): chr12:123,722,418, G>A. VCF-style: chr12-123722418-G-A. GRCh37 (hg19) VCF-style: chr12-124206965-G-A.
Identifiers: ClinVar variation 307577 (VCV000307577.25), dbSNP rs139785866, ClinGen allele CA6861539.